The following is an entry in ClinVar:

NM_004817.4(TJP2):c.3408-6dup

Gene: TJP2 (tight junction protein 2; plus strand). Cytogenetic location: 9q21.11.
Variant type: Duplication.
Coding change: c.3408-6dup on transcript NM_004817.4 (MANE Select); 6 bases into the intron before coding-DNA position 3408, one base duplicated (T; older notation c.3408-6dupT).
Molecular consequence: intron variant.
Genome position (GRCh38, 1-based): chr9:69,254,203, T duplicated; the last of 7 consecutive T bases (chr9:69,254,197-69,254,203); duplicating any one gives the same sequence. VCF-style (leftmost placement, unchanged base first): chr9-69254196-C-CT. GRCh37 (hg19) VCF-style: chr9-71869112-C-CT.
Other names: c.2898-6dup (NM_001170414.2); c.3333-6dup (NM_001369870.1); c.3339-6dup (NM_001369871.1); c.2967-6dup (NM_201629.3); c.3297-6dup (NM_001369872.1); c.3084-6dup (NM_001369873.1); c.3309-6dup (NM_001170415.1); c.3501-6dup (NM_001170416.2); and 2 more.
Identifiers: ClinVar variation 367236 (VCV000367236.7), dbSNP rs778863371, ClinGen allele CA5073976.
Genomic context (GRCh38, chr9:69,254,196, plus strand): 5'-GAGCCATGCCTCCCCGGGCAGCCGGAGGACATGGATGTGCTCTGGAATGTCTTTAACACC[C>CT]TTTTTTTGTTAGTTCCAGACCCCCTGAGCCACAGAAAGCTCCTTCCAGACCTTATCAGGA-3'

ClinVar aggregate classification (germline): Likely benign (0 of 4 stars; one submission).

Conditions:
TJP2-related disorder. Also called: TJP2-related condition.

Submission:

PreventionGenetics, part of Exact Sciences
Classification: Likely benign for TJP2-related condition. Last evaluated: 2022-01-28. Review status: no assertion criteria provided. Collection method: clinical testing. Allele origin: germline.
Comment: This variant is classified as likely benign based on ACMG/AMP sequence variant interpretation guidelines (Richards et al. 2015 PMID: 25741868, with internal and published modifications).